The following is an entry in ClinVar:

NM_000059.4(BRCA2):c.7089T>G (p.Tyr2363Ter)

Gene: BRCA2 (BRCA2 DNA repair associated; plus strand). Cytogenetic location: 13q13.1.
Variant type: single nucleotide variant.
Coding change: c.7089T>G on transcript NM_000059.4 (MANE Select); coding-DNA position 7089, T replaced by G.
Protein change: p.Tyr2363Ter; replaces tyrosine 2363 with a stop codon.
Molecular consequence: nonsense.
Genome position (GRCh38, 1-based): chr13:32,354,942, T>G. VCF-style: chr13-32354942-T-G. GRCh37 (hg19) VCF-style: chr13-32929079-T-G.
Other names: c.6993T>G, p.Tyr2331Ter (NM_001406719.1); c.7089T>G, p.Tyr2363Ter (NM_001406720.1); c.2157T>G, p.Tyr719Ter (NM_001406721.1); c.672T>G, p.Tyr224Ter (NM_001406722.1); short protein forms Y2331*, Y224*, Y2363*, Y719*.
Identifiers: ClinVar variation 1757071 (VCV001757071.2), dbSNP rs2137555835, ClinGen allele CA387738531.
Genomic context (GRCh38, chr13:32,354,942, plus strand): 5'-GATACAGAATCCAAATTTTACCGCACCTGGTCAAGAATTTCTGTCTAAATCTCATTTGTA[T>G]GAACATCTGACTTTGGAAAAATCTTCAAGCAATTTAGCAGTTTCAGGACATCCATTTTAT-3'

ClinVar aggregate classification (germline): Pathogenic (1 of 4 stars; one submission).

Conditions:
Hereditary cancer-predisposing syndrome. Also called: Neoplastic Syndromes, Hereditary; Tumor predisposition; Hereditary Cancer Syndrome; Hereditary neoplastic syndrome. Identifiers: Orphanet 140162, MedGen C0027672, MeSH D009386, MONDO:0015356.

Submission:

Ambry Genetics
Classification: Pathogenic for Hereditary cancer-predisposing syndrome. Last evaluated: 2019-06-29. Review status: criteria provided, single submitter. Criteria: Ambry Variant Classification Scheme 2023. Collection method: clinical testing. Allele origin: germline.
Comment: The p.Y2363* pathogenic mutation (also known as c.7089T>G), located in coding exon 13 of the BRCA2 gene, results from a T to G substitution at nucleotide position 7089. This changes the amino acid from a tyrosine to a stop codon within coding exon 13. This alteration is expected to result in loss of function by premature protein truncation or nonsense-mediated mRNA decay. As such, this alteration is interpreted as a disease-causing mutation.